The following is an entry in ClinVar:

ClinVar aggregate classification (germline): Uncertain significance (1 of 4 stars; one submission).

Conditions:
Kleefstra syndrome 1 (KLEFS1). Identifiers: Orphanet 261494, MedGen C0795833, MONDO:0027407, OMIM 610253.

Submission:

Laboratorio de Genetica e Diagnostico Molecular, Hospital Israelita Albert Einstein
Classification: Uncertain significance for Kleefstra syndrome 1. Last evaluated: 2024-09-27. Review status: criteria provided, single submitter. Criteria: ACMG Guidelines, 2015. Collection method: clinical testing. Allele origin: germline. Affected: yes.
Comment: ACMG classification criteria: PM2 supporting, BP4 supporting

NM_024757.5(EHMT1):c.1960G>A (p.Val654Ile)

Gene: EHMT1 (euchromatic histone lysine methyltransferase 1; plus strand). Cytogenetic location: 9q34.3.
Variant type: single nucleotide variant.
Coding change: c.1960G>A on transcript NM_024757.5 (MANE Select); coding-DNA position 1960, G replaced by A.
Protein change: p.Val654Ile; replaces valine 654 with isoleucine.
Molecular consequence: missense variant.
Genome position (GRCh38, 1-based): chr9:137,776,786, G>A. VCF-style: chr9-137776786-G-A. GRCh37 (hg19) VCF-style: chr9-140671238-G-A.
Other names: c.1960G>A, p.Val654Ile (NM_001145527.2); c.1867G>A, p.Val623Ile (NM_001354259.2); c.1939G>A, p.Val647Ile (NM_001354263.2); short protein forms V623I, V647I, V654I.
Identifiers: ClinVar variation 3901987 (VCV003901987.1).